The following is an entry in ClinVar:

ClinVar aggregate classification (germline): Benign/Likely benign. Review status: criteria provided, multiple submitters, no conflicts (2 of 4 stars). 7 submissions from 7 submitters: Benign (3); Likely benign (3). 1 of the submissions does not count toward it. Last evaluated 2026-02-01.

Conditions:
TBCD-related disorder. Also called: TBCD-related condition.

Allele frequency attached by ClinVar (database versions not stated): 1000 Genomes Project 0.00060; 1000 Genomes Project 30x 0.00078; gnomAD exomes 0.00194 and 0.00337; gnomAD 0.00209 and 0.00217; TOPMed 0.00220; ExAC 0.00227; ESP Exome Variant Server 0.00250.
gnomAD v4.1: 5,146 of 1,612,794 alleles (0.32%); highest among the groups gnomAD compares: Non-Finnish European, 0.41%; 11 homozygotes.

Submissions (7):

Labcorp Genetics (formerly Invitae), Labcorp
Classification: Benign. Last evaluated: 2026-02-01. Review status: criteria provided, single submitter. Criteria: Invitae Variant Classification Sherloc (09022015). Collection method: clinical testing. Allele origin: germline.

CeGaT Center for Human Genetics Tuebingen
Classification: Likely benign. Last evaluated: 2025-03-01. Review status: criteria provided, single submitter. Criteria: CeGaT Center For Human Genetics Tuebingen Variant Classification Criteria Version 2. Collection method: clinical testing. Allele origin: germline. Affected: yes. Observed: 5 variant alleles.
Comment: TBCD: BP4, BP7

Mayo Clinic Laboratories, Mayo Clinic
Classification: Benign. Last evaluated: 2024-12-02. Review status: criteria provided, single submitter. Criteria: ACMG Guidelines, 2015. Collection method: clinical testing. Allele origin: germline. Observed: 3 variant alleles.
Comment: BS1, BS2, BP4, BP7

Blueprint Genetics
Classification: Likely benign. Last evaluated: 2024-10-25. Review status: criteria provided, single submitter. Criteria: ACMG Guidelines, 2015. Collection method: clinical testing. Allele origin: germline.

Women's Health and Genetics/Laboratory Corporation of America, LabCorp
Classification: Likely benign. Last evaluated: 2024-01-09. Review status: criteria provided, single submitter. Criteria: LabCorp Variant Classification Summary - May 2015. Collection method: clinical testing. Allele origin: germline.

Breakthrough Genomics
Classification: Benign. Review status: criteria provided, single submitter. Criteria: ACMG Guidelines, 2015. Collection method: not provided. Allele origin: germline. Inheritance: Autosomal recessive inheritance. Affected: yes.

PreventionGenetics, part of Exact Sciences
Classification: Likely benign for TBCD-related condition. Last evaluated: 2024-06-27. Review status: no assertion criteria provided. Collection method: clinical testing. Allele origin: germline. Not counted in ClinVar's aggregate classification.
Comment: This variant is classified as likely benign based on ACMG/AMP sequence variant interpretation guidelines (Richards et al. 2015 PMID: 25741868, with internal and published modifications).

NM_005993.5(TBCD):c.1467A>G (p.Ala489=)

Gene: TBCD (tubulin folding cofactor D). Cytogenetic location: 17q25.3.
Variant type: single nucleotide variant.
Coding change: c.1467A>G on transcript NM_005993.5 (MANE Select); coding-DNA position 1467, A replaced by G.
Protein change: p.Ala489=; no amino-acid change (alanine 489 retained).
Molecular consequence: synonymous variant.
Genome position (GRCh38, 1-based): chr17:82,870,372, A>G. VCF-style: chr17-82870372-A-G. GRCh37 (hg19) VCF-style: chr17-80828248-A-G.
Other names: p.Ala489=.
Identifiers: ClinVar variation 708727 (VCV000708727.41), dbSNP rs139629551, ClinGen allele CA8862567.